The following is an entry in ClinVar:

NM_004959.5(NR5A1):c.86C>G (p.Thr29Arg)

Gene: NR5A1 (nuclear receptor subfamily 5 group A member 1; minus strand). Cytogenetic location: 9q33.3.
Variant type: single nucleotide variant.
Coding change: c.86C>G on transcript NM_004959.5 (MANE Select); coding-DNA position 86, C replaced by G.
Protein change: p.Thr29Arg; replaces threonine 29 with arginine.
Molecular consequence: missense variant.
Genome position (GRCh38, 1-based): chr9:124,503,310, G>C on the plus strand (C>G on the coding strand, the complement: NR5A1 is on the minus strand). VCF-style: chr9-124503310-G-C. GRCh37 (hg19) VCF-style: chr9-127265589-G-C.
Other names: short protein forms T29R.
Identifiers: ClinVar variation 2636138 (VCV002636138.1), dbSNP rs2131289973, ClinGen allele CA374890672.

ClinVar aggregate classification (germline): Pathogenic (1 of 4 stars; one submission).

Conditions:
NR5A1-related disorder. Also called: NR5A1-related condition.

Submission:

PreventionGenetics, part of Exact Sciences
Classification: Pathogenic for NR5A1-related condition. Last evaluated: 2023-03-16. Review status: criteria provided, single submitter. Criteria: ACMG Guidelines, 2015. Collection method: clinical testing. Allele origin: germline.
Comment: The NR5A1 c.86C>G variant is predicted to result in the amino acid substitution p.Thr29Arg. This variant has been reported in 46,XY patients with hypospadias and disorders of sex development, and in 46,XX patients with primary ovarian insufficiency (Philibert et al. 2011. PubMed ID: 21691958; Domenice et al. 2016. PubMed ID: 28033660; Bertrand-Delepine et al. 2019. PubMed ID: 31831369). This variant has been observed as de novo in two siblings with cryptorchidism, micropenis, and hypospadias (PreventionGenetics, internal data). In addition, different substitutions that affect the same amino acids (p.Thr29Lys and p.Thr29Met) have been reported in association with 46,XY disorder of sex development (Wang et al. 2018. PubMed ID: 29582157; Song et al. 2018. PubMed ID: 30425642). This variant has not been reported in a large population database, indicating this variant is rare. This variant is interpreted as pathogenic.